The following is an entry in ClinVar:

ClinVar aggregate classification (germline): Uncertain significance. Review status: criteria provided, multiple submitters, no conflicts (2 of 4 stars). 2 submissions from 2 submitters: Uncertain significance (2). Last evaluated 2022-08-02.

Conditions:
Inborn genetic diseases. Identifiers: MedGen C0950123, MeSH D030342.
Neuronal ceroid lipofuscinosis 7 (CLN7). Also called: MFSD8-Related Neuronal Ceroid-Lipofuscinosis. Identifiers: Orphanet 168491, Orphanet 228366, MedGen C1838571, MONDO:0012588, OMIM 610951.

Allele frequency attached by ClinVar (database versions not stated): TOPMed below 0.00001.

Submissions (2):

Ambry Genetics
Classification: Uncertain significance for Inborn genetic diseases. Last evaluated: 2022-08-02. Review status: criteria provided, single submitter. Criteria: Ambry Variant Classification Scheme 2023. Collection method: clinical testing. Allele origin: germline.

Labcorp Genetics (formerly Invitae), Labcorp
Classification: Uncertain significance for Neuronal ceroid lipofuscinosis 7. Last evaluated: 2022-07-06. Review status: criteria provided, single submitter. Criteria: Invitae Variant Classification Sherloc (09022015). Collection method: clinical testing. Allele origin: germline.
Comment: This sequence change replaces tyrosine, which is neutral and polar, with cysteine, which is neutral and slightly polar, at codon 83 of the MFSD8 protein (p.Tyr83Cys). This variant is not present in population databases (gnomAD no frequency). This variant has not been reported in the literature in individuals affected with MFSD8-related conditions. ClinVar contains an entry for this variant (Variation ID: 1349981). Algorithms developed to predict the effect of missense changes on protein structure and function are either unavailable or do not agree on the potential impact of this missense change (SIFT: "Deleterious"; PolyPhen-2: "Probably Damaging"; Align-GVGD: "Class C0"). In summary, the available evidence is currently insufficient to determine the role of this variant in disease. Therefore, it has been classified as a Variant of Uncertain Significance.

NM_001371596.2(MFSD8):c.248A>G (p.Tyr83Cys)

Gene: MFSD8 (major facilitator superfamily domain containing 8; minus strand). Cytogenetic location: 4q28.2.
Variant type: single nucleotide variant.
Coding change: c.248A>G on transcript NM_001371596.2 (MANE Select); coding-DNA position 248, A replaced by G.
Protein change: p.Tyr83Cys; replaces tyrosine 83 with cysteine.
Molecular consequence: missense variant.
Genome position (GRCh38, 1-based): chr4:127,943,943, T>C on the plus strand (A>G on the coding strand, the complement: MFSD8 is on the minus strand). VCF-style: chr4-127943943-T-C. GRCh37 (hg19) VCF-style: chr4-128865098-T-C.
Other names: c.248A>G, p.Tyr83Cys (NM_001363520.3, NM_001363521.3, NM_001371591.2 and 5 more transcripts); c.113A>G, p.Tyr38Cys (NM_001371590.2, NM_001371595.1, NM_001410765.1); c.248A>G (NM_152778.2); short protein forms Y38C, Y83C.
Identifiers: ClinVar variation 1349981 (VCV001349981.7), dbSNP rs1740619758, ClinGen allele CA358177052.